The following is an entry in ClinVar:

ClinVar aggregate classification (germline): Uncertain significance (1 of 4 stars; one submission).

Allele frequency attached by ClinVar (database versions not stated): gnomAD 0.00001; TOPMed 0.00001.
gnomAD v4.1: 54 of 1,614,226 alleles (0.0033%); highest among the groups gnomAD compares: Non-Finnish European, 0.0041%; no homozygotes.

Submission:

Labcorp Genetics (formerly Invitae), Labcorp
Classification: Uncertain significance. Last evaluated: 2024-12-17. Review status: criteria provided, single submitter. Criteria: Invitae Variant Classification Sherloc (09022015). Collection method: clinical testing. Allele origin: germline.
Comment: This sequence change replaces arginine, which is basic and polar, with cysteine, which is neutral and slightly polar, at codon 1338 of the MYH3 protein (p.Arg1338Cys). This variant is present in population databases (rs774426434, gnomAD 0.005%). This variant has not been reported in the literature in individuals affected with MYH3-related conditions. ClinVar contains an entry for this variant (Variation ID: 2727746). Invitae Evidence Modeling of protein sequence and biophysical properties (such as structural, functional, and spatial information, amino acid conservation, physicochemical variation, residue mobility, and thermodynamic stability) has been performed for this missense variant. However, the output from this modeling did not meet the statistical confidence thresholds required to predict the impact of this variant on MYH3 protein function. In summary, the available evidence is currently insufficient to determine the role of this variant in disease. Therefore, it has been classified as a Variant of Uncertain Significance.

NM_002470.4(MYH3):c.4012C>T (p.Arg1338Cys)

Gene: MYH3 (myosin heavy chain 3; minus strand). Cytogenetic location: 17p13.1.
Variant type: single nucleotide variant.
Coding change: c.4012C>T on transcript NM_002470.4 (MANE Select); coding-DNA position 4012, C replaced by T.
Protein change: p.Arg1338Cys; replaces arginine 1338 with cysteine.
Molecular consequence: missense variant.
Genome position (GRCh38, 1-based): chr17:10,635,527, G>A on the plus strand (C>T on the coding strand, the complement: MYH3 is on the minus strand). VCF-style: chr17-10635527-G-A. GRCh37 (hg19) VCF-style: chr17-10538844-G-A.
Other names: short protein forms R1338C.
Identifiers: ClinVar variation 2727746 (VCV002727746.3), dbSNP rs774426434, ClinGen allele CA287782003.